The following is an entry in ClinVar:

NM_006231.4(POLE):c.3862G>T (p.Ala1288Ser)

Gene: POLE (DNA polymerase epsilon, catalytic subunit; minus strand). Cytogenetic location: 12q24.33.
Variant type: single nucleotide variant.
Coding change: c.3862G>T on transcript NM_006231.4 (MANE Select); coding-DNA position 3862, G replaced by T.
Protein change: p.Ala1288Ser; replaces alanine 1288 with serine.
Molecular consequence: missense variant.
Genome position (GRCh38, 1-based): chr12:132,649,449, C>A on the plus strand (G>T on the coding strand, the complement: POLE is on the minus strand). VCF-style: chr12-132649449-C-A. GRCh37 (hg19) VCF-style: chr12-133226035-C-A.
Other names: short protein forms A1288S.
Identifiers: ClinVar variation 1479083 (VCV001479083.8), dbSNP rs200398117, ClinGen allele CA387385361.

ClinVar aggregate classification (germline): Uncertain significance (1 of 4 stars; one submission).

Submission:

Labcorp Genetics (formerly Invitae), Labcorp
Classification: Uncertain significance. Last evaluated: 2025-03-12. Review status: criteria provided, single submitter. Criteria: Invitae Variant Classification Sherloc (09022015). Collection method: clinical testing. Allele origin: germline.
Comment: This sequence change replaces alanine, which is neutral and non-polar, with serine, which is neutral and polar, at codon 1288 of the POLE protein (p.Ala1288Ser). This variant is not present in population databases (gnomAD no frequency). This variant has not been reported in the literature in individuals affected with POLE-related conditions. ClinVar contains an entry for this variant (Variation ID: 1479083). Invitae Evidence Modeling of protein sequence and biophysical properties (such as structural, functional, and spatial information, amino acid conservation, physicochemical variation, residue mobility, and thermodynamic stability) indicates that this missense variant is not expected to disrupt POLE protein function with a negative predictive value of 80%. In summary, the available evidence is currently insufficient to determine the role of this variant in disease. Therefore, it has been classified as a Variant of Uncertain Significance.